The following is an entry in ClinVar:

NM_001377.3(DYNC2H1):c.12485C>T (p.Ala4162Val)

Gene: DYNC2H1 (dynein cytoplasmic 2 heavy chain 1; plus strand). Cytogenetic location: 11q22.3.
Variant type: single nucleotide variant.
Coding change: c.12485C>T on transcript NM_001377.3 (MANE Select); coding-DNA position 12485, C replaced by T.
Protein change: p.Ala4162Val; replaces alanine 4162 with valine.
Molecular consequence: missense variant.
Genome position (GRCh38, 1-based): chr11:103,455,214, C>T. VCF-style: chr11-103455214-C-T. GRCh37 (hg19) VCF-style: chr11-103325942-C-T.
Other names: c.12506C>T, p.Ala4169Val (NM_001080463.2); short protein forms A4169V, A4162V.
Identifiers: ClinVar variation 1976611 (VCV001976611.2), dbSNP rs754635981, ClinGen allele CA6255585.

ClinVar aggregate classification (germline): Uncertain significance (1 of 4 stars; one submission).

Conditions:
Jeune thoracic dystrophy. Also called: Jeune syndrome; Infantile thoracic dystrophy; Thoracic pelvic phalangeal dystrophy; Jeune's syndrome; Chondroectodermal dysplasia-like syndrome; Short-rib thoracic dysplasia. Identifiers: Orphanet 474, MedGen C0265275, MONDO:0018770.

Allele frequency attached by ClinVar (database versions not stated): gnomAD 0.00001.
gnomAD v4.1: 6 of 1,613,128 alleles (0.00037%); highest among the groups gnomAD compares: Admixed American, 0.0083%; no homozygotes.

Submission:

Labcorp Genetics (formerly Invitae), Labcorp
Classification: Uncertain significance for Jeune thoracic dystrophy. Last evaluated: 2022-08-15. Review status: criteria provided, single submitter. Criteria: Invitae Variant Classification Sherloc (09022015). Collection method: clinical testing. Allele origin: germline.
Comment: This sequence change replaces alanine, which is neutral and non-polar, with valine, which is neutral and non-polar, at codon 4169 of the DYNC2H1 protein (p.Ala4169Val). This variant is present in population databases (rs754635981, gnomAD 0.01%). This variant has not been reported in the literature in individuals affected with DYNC2H1-related conditions. Advanced modeling of protein sequence and biophysical properties (such as structural, functional, and spatial information, amino acid conservation, physicochemical variation, residue mobility, and thermodynamic stability) performed at Invitae indicates that this missense variant is not expected to disrupt DYNC2H1 protein function. Algorithms developed to predict the effect of sequence changes on RNA splicing suggest that this variant may create or strengthen a splice site. In summary, the available evidence is currently insufficient to determine the role of this variant in disease. Therefore, it has been classified as a Variant of Uncertain Significance.